The following is an entry in ClinVar:

ClinVar aggregate classification (germline): Uncertain significance (1 of 4 stars; one submission).

Conditions:
Renal cell carcinoma. Identifiers: Orphanet 217071, MedGen C0007134, MeSH D002292, MONDO:0005086, HP:0005584.

Submission:

Labcorp Genetics (formerly Invitae), Labcorp
Classification: Uncertain significance for Renal cell carcinoma. Last evaluated: 2024-11-20. Review status: criteria provided, single submitter. Criteria: Invitae Variant Classification Sherloc (09022015). Collection method: clinical testing. Allele origin: germline.
Comment: This sequence change replaces glutamic acid, which is acidic and polar, with glutamine, which is neutral and polar, at codon 708 of the MET protein (p.Glu708Gln). This variant is not present in population databases (gnomAD no frequency). This variant has not been reported in the literature in individuals affected with MET-related conditions. Invitae Evidence Modeling of protein sequence and biophysical properties (such as structural, functional, and spatial information, amino acid conservation, physicochemical variation, residue mobility, and thermodynamic stability) indicates that this missense variant is not expected to disrupt MET protein function with a negative predictive value of 80%. In summary, the available evidence is currently insufficient to determine the role of this variant in disease. Therefore, it has been classified as a Variant of Uncertain Significance.

NM_000245.4(MET):c.2122G>C (p.Glu708Gln)

Gene: MET (MET proto-oncogene, receptor tyrosine kinase; plus strand). Cytogenetic location: 7q31.2.
Variant type: single nucleotide variant.
Coding change: c.2122G>C on transcript NM_000245.4 (MANE Select); coding-DNA position 2122, G replaced by C.
Protein change: p.Glu708Gln; replaces glutamic acid 708 with glutamine.
Molecular consequence: missense variant.
Genome position (GRCh38, 1-based): chr7:116,758,478, G>C. VCF-style: chr7-116758478-G-C. GRCh37 (hg19) VCF-style: chr7-116398532-G-C.
Other names: c.2122G>C, p.Glu708Gln (NM_001127500.3, NM_001324401.3); c.832G>C, p.Glu278Gln (NM_001324402.2); short protein forms E708Q, E278Q.
Identifiers: ClinVar variation 3665780 (VCV003665780.2).